The following is an entry in ClinVar:

ClinVar aggregate classification (germline): Benign (1 of 4 stars; one submission).

Conditions:
White sponge nevus 1. Also called: LEUKOKERATOSIS, HEREDITARY MUCOSAL. Identifiers: MedGen C4011926, MONDO:0008676, OMIM 193900.

Allele frequency attached by ClinVar (database versions not stated): TOPMed 0.00017; 1000 Genomes Project 0.00020; 1000 Genomes Project 30x 0.00031; ESP Exome Variant Server 0.00039; ExAC 0.00327; gnomAD 0.00925 and 0.00989.

Submission:

Illumina Laboratory Services, Illumina
Classification: Benign for White sponge nevus 1. Last evaluated: 2018-01-12. Review status: criteria provided, single submitter. Criteria: ICSL Variant Classification Criteria 13 December 2019. Collection method: clinical testing. Allele origin: germline.
Comment: This variant was observed in the ICSL laboratory as part of a predisposition screen in an ostensibly healthy population. It had not been previously curated by ICSL or reported in the Human Gene Mutation Database (HGMD: prior to June 1st, 2018), and was therefore a candidate for classification through an automated scoring system. Utilizing variant allele frequency, disease prevalence and penetrance estimates, and inheritance mode, an automated score was calculated to assess if this variant is too frequent to cause the disease. Based on the score and internal cut-off values, a variant classified as benign is not then subjected to further curation. The score for this variant resulted in a classification of benign for this disease.

NM_002272.4(KRT4):c.288G>A (p.Lys96=)

Gene: KRT4 (keratin 4; minus strand). Cytogenetic location: 12q13.13.
Variant type: single nucleotide variant.
Coding change: c.288G>A on transcript NM_002272.4 (MANE Select); coding-DNA position 288, G replaced by A.
Protein change: p.Lys96=; no amino-acid change (lysine 96 retained).
Molecular consequence: synonymous variant.
Genome position (GRCh38, 1-based): chr12:52,813,771, C>T on the plus strand (G>A on the coding strand, the complement: KRT4 is on the minus strand). VCF-style: chr12-52813771-C-T. GRCh37 (hg19) VCF-style: chr12-53207555-C-T.
Identifiers: ClinVar variation 309705 (VCV000309705.5), dbSNP rs372013854, ClinGen allele CA6588786.
Genomic context (GRCh38, chr12:52,813,771, plus strand): 5'-CTGGTTGATGGTGACCTCCTGAATTCCCCCAGCGGGGCAGACGGGGAAGCCAGGGCCACC[C>T]TTACCACTGAAGGAGCCCCCAAATCCACCACCAAAGCCACCAGTGCCAAAGCCTCCAGCA-3'
Protein context (NP_002263.3, residues 86-106): GGGFGGSFSG[Lys96=]GGPGFPVCPA